The following is an entry in ClinVar:

NM_032608.7(MYO18B):c.1445A>G (p.Lys482Arg)

Gene: MYO18B (myosin XVIIIB; plus strand). Cytogenetic location: 22q12.1.
Variant type: single nucleotide variant.
Coding change: c.1445A>G on transcript NM_032608.7 (MANE Select); coding-DNA position 1445, A replaced by G.
Protein change: p.Lys482Arg; replaces lysine 482 with arginine.
Molecular consequence: missense variant.
Genome position (GRCh38, 1-based): chr22:25,769,361, A>G. VCF-style: chr22-25769361-A-G. GRCh37 (hg19) VCF-style: chr22-26165328-A-G.
Other names: c.1445A>G, p.Lys482Arg (NM_001318245.2); c.1445A>G (NM_032608.5); short protein forms K482R.
Identifiers: ClinVar variation 2975925 (VCV002975925.3), dbSNP rs774420193, ClinGen allele CA10159823.

ClinVar aggregate classification (germline): Uncertain significance. Review status: criteria provided, multiple submitters, no conflicts (2 of 4 stars). 2 submissions from 2 submitters: Uncertain significance (2). Last evaluated 2024-06-19.

Conditions:
Inborn genetic diseases. Identifiers: MedGen C0950123, MeSH D030342.

Allele frequency attached by ClinVar (database versions not stated): gnomAD exomes 0.00001; TOPMed 0.00001.
gnomAD v4.1: 5 of 1,575,912 alleles (0.00032%); highest among the groups gnomAD compares: East Asian, 0.012%; no homozygotes.

Submissions (2):

Ambry Genetics
Classification: Uncertain significance for Inborn genetic diseases. Last evaluated: 2024-06-19. Review status: criteria provided, single submitter. Criteria: Ambry Variant Classification Scheme 2023. Collection method: clinical testing. Allele origin: germline.

Labcorp Genetics (formerly Invitae), Labcorp
Classification: Uncertain significance. Last evaluated: 2023-12-19. Review status: criteria provided, single submitter. Criteria: Invitae Variant Classification Sherloc (09022015). Collection method: clinical testing. Allele origin: germline.
Comment: This sequence change replaces lysine, which is basic and polar, with arginine, which is basic and polar, at codon 482 of the MYO18B protein (p.Lys482Arg). This variant is present in population databases (rs774420193, gnomAD 0.008%). This variant has not been reported in the literature in individuals affected with MYO18B-related conditions. Algorithms developed to predict the effect of missense changes on protein structure and function output the following: SIFT: "Not Available"; PolyPhen-2: "Benign"; Align-GVGD: "Not Available". The arginine amino acid residue is found in multiple mammalian species, which suggests that this missense change does not adversely affect protein function. In summary, the available evidence is currently insufficient to determine the role of this variant in disease. Therefore, it has been classified as a Variant of Uncertain Significance.